The following is an entry in ClinVar:

NM_000038.6(APC):c.1378G>A (p.Glu460Lys)

Gene: APC (APC regulator of Wnt signaling pathway; plus strand). Cytogenetic location: 5q22.2.
Variant type: single nucleotide variant.
Coding change: c.1378G>A on transcript NM_000038.6 (MANE Select); coding-DNA position 1378, G replaced by A.
Protein change: p.Glu460Lys; replaces glutamic acid 460 with lysine.
Molecular consequence: missense variant.
Genome position (GRCh38, 1-based): chr5:112,821,961, G>A. VCF-style: chr5-112821961-G-A. GRCh37 (hg19) VCF-style: chr5-112157658-G-A.
Other names: c.1378G>A, p.Glu460Lys (NM_001127510.3, NM_001354895.2, NM_001354896.2); c.1324G>A, p.Glu442Lys (NM_001127511.3); c.1408G>A, p.Glu470Lys (NM_001354897.2); c.1303G>A, p.Glu435Lys (NM_001354898.2); c.1294G>A, p.Glu432Lys (NM_001354899.2); c.1201G>A, p.Glu401Lys (NM_001354900.2, NM_001354901.2); c.1105G>A, p.Glu369Lys (NM_001354902.2); c.1075G>A, p.Glu359Lys (NM_001354903.2); and 3 more; short protein forms E442K, E460K, E177K, E401K, E334K, E359K, E432K, E470K.
Identifiers: ClinVar variation 187417 (VCV000187417.18), dbSNP rs786203718, ClinGen allele CA004874.

ClinVar aggregate classification (germline): Uncertain significance. Review status: criteria provided, multiple submitters, no conflicts (2 of 4 stars). 4 submissions from 4 submitters: Uncertain significance (4). Last evaluated 2025-07-04.

Conditions:
Hereditary cancer-predisposing syndrome. Also called: Neoplastic Syndromes, Hereditary; Tumor predisposition; Hereditary Cancer Syndrome; Hereditary neoplastic syndrome. Identifiers: Orphanet 140162, MedGen C0027672, MeSH D009386, MONDO:0015356.
Familial adenomatous polyposis 1 (FAP1). Also called: FAMILIAL ADENOMATOUS POLYPOSIS 1, ATTENUATED; POLYPOSIS, ADENOMATOUS INTESTINAL. Identifiers: MedGen C2713442, MONDO:0021056, OMIM 175100. Disease mechanism: loss of function.

Allele frequency attached by ClinVar (database versions not stated): gnomAD exomes below 0.00001.
gnomAD v4.1: 1 of 1,612,914 alleles (0.000062%); highest among the groups gnomAD compares: Non-Finnish European, 0.000085%; no homozygotes.

Submissions (4):

Labcorp Genetics (formerly Invitae), Labcorp
Classification: Uncertain significance for Familial adenomatous polyposis 1. Last evaluated: 2025-07-04. Review status: criteria provided, single submitter. Criteria: Invitae Variant Classification Sherloc (09022015). Collection method: clinical testing. Allele origin: germline.
Comment: This sequence change replaces glutamic acid, which is acidic and polar, with lysine, which is basic and polar, at codon 460 of the APC protein (p.Glu460Lys). This variant is not present in population databases (gnomAD no frequency). This variant has not been reported in the literature in individuals affected with APC-related conditions. ClinVar contains an entry for this variant (Variation ID: 187417). Invitae Evidence Modeling of protein sequence and biophysical properties (such as structural, functional, and spatial information, amino acid conservation, physicochemical variation, residue mobility, and thermodynamic stability) indicates that this missense variant is not expected to disrupt APC protein function with a negative predictive value of 95%. In summary, the available evidence is currently insufficient to determine the role of this variant in disease. Therefore, it has been classified as a Variant of Uncertain Significance.

GeneDx
Classification: Uncertain significance. Last evaluated: 2025-06-06. Review status: criteria provided, single submitter. Criteria: GeneDx Variant Classification Process June 2021. Collection method: clinical testing. Allele origin: germline. Affected: yes.
Comment: Not observed at significant frequency in large population cohorts (gnomAD); In silico analysis supports that this missense variant has a deleterious effect on protein structure/function; Has not been previously published as pathogenic or benign to our knowledge; This variant is associated with the following publications: (PMID: 18199528)

Ambry Genetics
Classification: Uncertain significance for Hereditary cancer-predisposing syndrome. Last evaluated: 2023-12-14. Review status: criteria provided, single submitter. Criteria: Ambry Variant Classification Scheme 2023. Collection method: clinical testing. Allele origin: germline.
Comment: The p.E460K variant (also known as c.1378G>A), located in coding exon 10 of the APC gene, results from a G to A substitution at nucleotide position 1378. The glutamic acid at codon 460 is replaced by lysine, an amino acid with similar properties. This amino acid position is highly conserved in available vertebrate species. In addition, in silico predictors for this gene do not accurately predict pathogenicity. Since supporting evidence is limited at this time, the clinical significance of this alteration remains unclear.

Color Diagnostics, LLC DBA Color Health
Classification: Uncertain significance for Hereditary cancer-predisposing syndrome. Last evaluated: 2019-03-19. Review status: criteria provided, single submitter. Criteria: ACMG Guidelines, 2015. Collection method: clinical testing. Allele origin: germline.